The following is an entry in ClinVar:

NM_024312.5(GNPTAB):c.380_381del (p.Glu127fs)

Gene: GNPTAB (N-acetylglucosamine-1-phosphate transferase subunits alpha and beta; minus strand). Cytogenetic location: 12q23.2.
Variant type: Microsatellite.
Coding change: c.380_381del on transcript NM_024312.5 (MANE Select); coding-DNA positions 380 to 381, 2 bases deleted (AG; older notation c.380_381delAG).
Protein change: p.Glu127fs; shifts the reading frame from glutamic acid 127.
Molecular consequence: frameshift variant.
Genome position (GRCh38, 1-based): chr12:101,786,202-101,786,203, CT deleted on the plus strand (AG on the coding strand, the reverse complement: GNPTAB is on the minus strand); deleting any 2 consecutive bases within chr12:101,786,202-101,786,205 gives the same sequence; the c. name uses the placement nearest the transcript's 3' end. VCF-style (leftmost placement, unchanged base first): chr12-101786201-ACT-A. GRCh37 (hg19) VCF-style: chr12-102179979-ACT-A.
Other names: short protein forms E127fs.
Identifiers: ClinVar variation 1705683 (VCV001705683.2), dbSNP rs2547970698, ClinGen allele CA2580616839.

ClinVar aggregate classification (germline): Likely pathogenic. Review status: criteria provided, multiple submitters, no conflicts (2 of 4 stars). 2 submissions from 2 submitters: Likely pathogenic (2). Last evaluated 2024-05-08.

Conditions:
Pseudo-Hurler polydystrophy. Also called: ML III; ML III ALPHA/BETA; MUCOLIPIDOSIS IIIA; Type III Mucolipidosis; ML IIIA; Mucolipidosis III Alpha/Beta. Identifiers: Orphanet 423461, Orphanet 577, MedGen C0033788, MONDO:0018931, OMIM 252600.
Mucolipidosis type II. Also called: ML II ALPHA/BETA; Mucolipidosis II Alpha/Beta; Mucolipidosis 2; ML 2; Inclusion cell disease; Leroy Disease. Identifiers: Orphanet 576, MedGen C2673377, MONDO:0009650, OMIM 252500.

Submissions (2):

Fulgent Genetics
Classification: Likely pathogenic for Mucolipidosis type II; Pseudo-Hurler polydystrophy. Last evaluated: 2024-05-08. Review status: criteria provided, single submitter. Criteria: ACMG Guidelines, 2015. Collection method: clinical testing. Allele origin: germline.

3billion
Classification: Likely pathogenic for Mucolipidosis type II. Last evaluated: 2022-09-01. Review status: criteria provided, single submitter. Criteria: ACMG Guidelines, 2015. Collection method: clinical testing. Allele origin: germline. Affected: yes. Observed: 1 heterozygote.
Comment: The variant is not observed in the gnomAD v2.1.1 dataset. It is predicted to result in a loss or disruption of normal protein function through nonsense-mediated decay (NMD) or protein truncation. Multiple pathogenic variants are reported downstream of the variant. Therefore, this variant is classified as Likely pathogenic according to the recommendation of ACMG/AMP guideline.